The following is an entry in ClinVar:

NM_001145809.2(MYH14):c.1436C>A (p.Ala479Asp)

Gene: MYH14 (myosin heavy chain 14; plus strand). Cytogenetic location: 19q13.33.
Variant type: single nucleotide variant.
Coding change: c.1436C>A on transcript NM_001145809.2 (MANE Select); coding-DNA position 1436, C replaced by A.
Protein change: p.Ala479Asp; replaces alanine 479 with aspartic acid.
Molecular consequence: missense variant.
Genome position (GRCh38, 1-based): chr19:50,249,093, C>A. VCF-style: chr19-50249093-C-A. GRCh37 (hg19) VCF-style: chr19-50752350-C-A.
Other names: c.1412C>A (NM_024729.3); c.1436C>A, p.Ala479Asp (NM_001077186.2); c.1412C>A, p.Ala471Asp (NM_024729.4); c.1436C>A (NM_001145809.1); short protein forms A479D, A471D.
Identifiers: ClinVar variation 289897 (VCV000289897.9), dbSNP rs886044300, ClinGen allele CA10606589.

ClinVar aggregate classification (germline): Uncertain significance. Review status: criteria provided, multiple submitters, no conflicts (2 of 4 stars). 3 submissions from 3 submitters: Uncertain significance (3). Last evaluated 2026-09-14.

Conditions:
MYH14-related disorder. Also called: MYH14-related condition.

Allele frequency attached by ClinVar (database versions not stated): gnomAD 0.00001; gnomAD exomes 0.00001; TOPMed 0.00002.
gnomAD v4.1: 5 of 1,602,624 alleles (0.00031%); highest among the groups gnomAD compares: Admixed American, 0.0052%; no homozygotes.

Submissions (3):

PreventionGenetics, part of Exact Sciences
Classification: Uncertain significance for MYH14-related condition. Last evaluated: 2026-09-14. Review status: criteria provided, single submitter. Criteria: ACMG Guidelines, 2015. Collection method: clinical testing. Allele origin: germline.
Comment: The MYH14 c.1436C>A variant is predicted to result in the amino acid substitution p.Ala479Asp. To our knowledge, this variant has not been reported in the literature. This variant is reported in 0.0063% of alleles in individuals of Latino descent in gnomAD. At this time, the clinical significance of this variant is uncertain due to the absence of conclusive functional and genetic evidence.

GeneDx
Classification: Uncertain significance. Last evaluated: 2023-11-30. Review status: criteria provided, single submitter. Criteria: GeneDx Variant Classification Process June 2021. Collection method: clinical testing. Allele origin: germline. Affected: yes.
Comment: In silico analysis supports that this missense variant has a deleterious effect on protein structure/function; Has not been previously published as pathogenic or benign to our knowledge

Eurofins Ntd Llc (ga)
Classification: Uncertain significance. Last evaluated: 2016-08-30. Review status: criteria provided, single submitter. Criteria: EGL Classification Definitions 2015. Collection method: clinical testing. Allele origin: germline. Observed: 1 variant allele, 1 heterozygote.